The following is an entry in ClinVar:

ClinVar aggregate classification (germline): Uncertain significance (1 of 4 stars; one submission).

Conditions:
RASopathy. Also called: rasopathies; Noonan spectrum disorder. Identifiers: Orphanet 536391, MedGen C5555857, MONDO:0021060.

Submission:

Labcorp Genetics (formerly Invitae), Labcorp
Classification: Uncertain significance for RASopathy. Last evaluated: 2023-11-01. Review status: criteria provided, single submitter. Criteria: Invitae Variant Classification Sherloc (09022015). Collection method: clinical testing. Allele origin: germline.
Comment: This sequence change replaces alanine, which is neutral and non-polar, with valine, which is neutral and non-polar, at codon 118 of the RAF1 protein (p.Ala118Val). This variant is not present in population databases (gnomAD no frequency). This variant has not been reported in the literature in individuals affected with RAF1-related conditions. Advanced modeling of protein sequence and biophysical properties (such as structural, functional, and spatial information, amino acid conservation, physicochemical variation, residue mobility, and thermodynamic stability) performed at Invitae indicates that this missense variant is not expected to disrupt RAF1 protein function with a negative predictive value of 95%. In summary, the available evidence is currently insufficient to determine the role of this variant in disease. Therefore, it has been classified as a Variant of Uncertain Significance.

NM_002880.4(RAF1):c.353C>T (p.Ala118Val)

Gene: RAF1 (Raf-1 proto-oncogene, serine/threonine kinase; minus strand). Cytogenetic location: 3p25.2.
Variant type: single nucleotide variant.
Coding change: c.353C>T on transcript NM_002880.4 (MANE Select); coding-DNA position 353, C replaced by T.
Protein change: p.Ala118Val; replaces alanine 118 with valine.
Molecular consequence: missense variant. On other transcripts: non-coding transcript variant (3).
Genome position (GRCh38, 1-based): chr3:12,609,303, G>A on the plus strand (C>T on the coding strand, the complement: RAF1 is on the minus strand). VCF-style: chr3-12609303-G-A. GRCh37 (hg19) VCF-style: chr3-12650802-G-A.
Other names: c.353C>T, p.Ala118Val (NM_001354689.3, NM_001354690.3, NM_001354693.3); c.110C>T, p.Ala37Val (NM_001354691.3, NM_001354692.3, NM_001354694.3 and 1 more transcripts); short protein forms A118V, A37V.
Identifiers: ClinVar variation 2776404 (VCV002776404.3), dbSNP rs2125420687, ClinGen allele CA351518590.